The following is an entry in ClinVar:

ClinVar aggregate classification (germline): Uncertain significance (1 of 4 stars; one submission).

Conditions:
Hereditary breast ovarian cancer syndrome. Also called: Hereditary breast and ovarian cancer syndrome (HBOC); Hereditary breast and ovarian cancer syndrome; Breast and ovarian cancer; Hereditary breast and/or ovarian cancer syndrome; Hereditary breast and ovarian cancer; BRCA1- and BRCA2-Associated Hereditary Breast and Ovarian Cancer. Identifiers: Orphanet 145, MedGen C0677776, MeSH D061325, MONDO:0003582. Disease mechanism: loss of function.

Submission:

Labcorp Genetics (formerly Invitae), Labcorp
Classification: Uncertain significance for Hereditary breast ovarian cancer syndrome. Last evaluated: 2017-07-07. Review status: criteria provided, single submitter. Criteria: Invitae Variant Classification Sherloc (09022015). Collection method: clinical testing. Allele origin: germline.
Comment: This variant is a gross duplication of the genomic region encompassing exon 4 of the BRCA1 gene. While the exact position of the duplicated exon cannot be determined from this data, the duplicated copy of this region is likely in tandem and in-frame, therefore preserving the integrity of the reading frame. While this particular gross triplication has not been reported in the literature, exon-level duplications in BRCA1 have been reported in patients affected with hereditary breast/ovarian cancer (PMID: 15475941, 21327469). Experimental studies and prediction algorithms are not available for this variant, and the functional significance of this duplication is currently unknown. In summary, the available evidence is currently insufficient to determine the role of this variant in disease. Therefore, it has been classified as a Variant of Uncertain Significance.

NC_000017.10:g.(?_41258467)_(41258556_?)dup

Gene: BRCA1 (BRCA1 DNA repair associated; minus strand). Cytogenetic location: 17q21.31.
Variant type: Duplication.
Identifiers: ClinVar variation 462209 (VCV000462209.1).